The following is an entry in ClinVar:

ClinVar aggregate classification (germline): Likely benign. Review status: criteria provided, multiple submitters, no conflicts (2 of 4 stars). 2 submissions from 2 submitters: Likely benign (2). Last evaluated 2024-02-05.

Conditions:
Arrhythmogenic right ventricular dysplasia 8 (ARVD8). Also called: ARRHYTHMOGENIC RIGHT VENTRICULAR DYSPLASIA, FAMILIAL, 8; ARRHYTHMOGENIC RIGHT VENTRICULAR CARDIOMYOPATHY 8; Arrhythmogenic Right Ventricular Dysplasia/Cardiomyopathy 8. Identifiers: MedGen C1843896, MONDO:0011831, OMIM 607450.
Arrhythmogenic cardiomyopathy with wooly hair and keratoderma. Also called: Arrhythmogenic cardiomyopathy with woolly hair and keratoderma; Dilated cardiomyopathy with woolly hair and keratoderma; PALMOPLANTAR KERATODERMA WITH LEFT VENTRICULAR CARDIOMYOPATHY AND WOOLLY HAIR; Carvajal syndrome. Identifiers: Orphanet 65282, MedGen C1854063, MONDO:0011581, OMIM 605676.

gnomAD v4.1: 1 of 1,614,208 alleles (0.000062%); no homozygotes.

Submissions (2):

All of Us Research Program, National Institutes of Health
Classification: Likely benign for Arrhythmogenic cardiomyopathy with wooly hair and keratoderma. Last evaluated: 2024-02-05. Review status: criteria provided, single submitter. Criteria: ACMG Guidelines, 2015. Collection method: clinical testing. Allele origin: germline. Inheritance: Autosomal dominant inheritance. Observed: 2 variant alleles, 2 heterozygotes.
Comment: This study involves interpretation of variants in research participants for the purpose of population health screening. Participant phenotype was not available at the time of variant classification. Additional details can be found in publication PMID: 35346344, PMCID: PMC8962531

Labcorp Genetics (formerly Invitae), Labcorp
Classification: Likely benign for Arrhythmogenic cardiomyopathy with wooly hair and keratoderma; Arrhythmogenic right ventricular dysplasia 8. Last evaluated: 2022-01-31. Review status: criteria provided, single submitter. Criteria: Invitae Variant Classification Sherloc (09022015). Collection method: clinical testing. Allele origin: germline.

NM_004415.4(DSP):c.4953G>A (p.Gln1651=)

Gene: DSP (desmoplakin; plus strand). Cytogenetic location: 6p24.3.
Variant type: single nucleotide variant.
Coding change: c.4953G>A on transcript NM_004415.4 (MANE Select); coding-DNA position 4953, G replaced by A.
Protein change: p.Gln1651=; no amino-acid change (glutamine 1651 retained).
Molecular consequence: synonymous variant. On other transcripts: intron variant (2).
Genome position (GRCh38, 1-based): chr6:7,581,143, G>A. VCF-style: chr6-7581143-G-A. GRCh37 (hg19) VCF-style: chr6-7581376-G-A.
Other names: c.4050+903G>A (NM_001319034.2); c.3582+1371G>A (NM_001008844.3).
Identifiers: ClinVar variation 1089995 (VCV001089995.10), dbSNP rs2113695297, ClinGen allele CA448714821.